The following is an entry in ClinVar:

NM_207037.2(TCF12):c.1261-2A>C

Gene: TCF12 (transcription factor 12; plus strand). Cytogenetic location: 15q21.3.
Variant type: single nucleotide variant.
Coding change: c.1261-2A>C on transcript NM_207037.2 (MANE Select); the canonical splice acceptor site of the intron before coding-DNA position 1261, A replaced by C.
Molecular consequence: splice acceptor variant. On other transcripts: intron variant (1).
Genome position (GRCh38, 1-based): chr15:57,253,260, A>C. VCF-style: chr15-57253260-A-C. GRCh37 (hg19) VCF-style: chr15-57545458-A-C.
Other names: c.1261-2A>C (NM_001322151.2, NM_001322159.3, NM_001322152.2 and 2 more transcripts); c.1189-2A>C (NM_001322157.3, NM_003205.4, NM_207038.2 and 1 more transcripts); c.1087-2A>C (NM_001322156.2); c.1015-2A>C (NM_001322158.2); c.604-2A>C (NM_001322154.2); c.1261-5A>C (NM_001322161.2); c.1225-2A>C (NM_001322164.2); c.751-2A>C (NM_001306219.3); and 2 more.
Identifiers: ClinVar variation 1359799 (VCV001359799.6), dbSNP rs753455173, ClinGen allele CA270893622.

ClinVar aggregate classification (germline): Uncertain significance (1 of 4 stars; one submission).

Allele frequency attached by ClinVar (database versions not stated): gnomAD exomes below 0.00001.
gnomAD v4.1: 1 of 1,613,890 alleles (0.000062%); highest among the groups gnomAD compares: Non-Finnish European, 0.000085%; no homozygotes.

Submission:

Labcorp Genetics (formerly Invitae), Labcorp
Classification: Uncertain significance. Last evaluated: 2022-07-12. Review status: criteria provided, single submitter. Criteria: Invitae Variant Classification Sherloc (09022015). Collection method: clinical testing. Allele origin: germline.
Comment: ClinVar contains an entry for this variant (Variation ID: 1359799). This variant has not been reported in the literature in individuals affected with TCF12-related conditions. This variant is not present in population databases (gnomAD no frequency). This sequence change affects an acceptor splice site in intron 15 of the TCF12 gene. However, it is currently unclear if variants that occur in this region of the gene cause disease. Algorithms developed to predict the effect of sequence changes on RNA splicing suggest that this variant may disrupt the consensus splice site. In summary, the available evidence is currently insufficient to determine the role of this variant in disease. Therefore, it has been classified as a Variant of Uncertain Significance.